The following is an entry in ClinVar:

ClinVar aggregate classification (germline): Uncertain significance. Review status: criteria provided, multiple submitters, no conflicts (2 of 4 stars). 2 submissions from 2 submitters: Uncertain significance (2). Last evaluated 2025-07-14.

Conditions:
Hereditary cancer-predisposing syndrome. Also called: Hereditary Cancer Syndrome; Hereditary neoplastic syndrome; Neoplastic Syndromes, Hereditary; Tumor predisposition. Identifiers: Orphanet 140162, MedGen C0027672, MeSH D009386, MONDO:0015356.
Multiple endocrine neoplasia, type 1 (MEN1). Also called: MEN I; WERMER SYNDROME; Endocrine adenomatosis multiple; MEN 1; MEA I. Identifiers: Orphanet 652, MedGen C0025267, MeSH D018761, MONDO:0007540, OMIM 131100.

gnomAD v4.1: 1 of 1,614,212 alleles (0.000062%); highest among the groups gnomAD compares: East Asian, 0.0022%; no homozygotes.

Submissions (2):

Labcorp Genetics (formerly Invitae), Labcorp
Classification: Uncertain significance for Multiple endocrine neoplasia, type 1. Last evaluated: 2025-07-14. Review status: criteria provided, single submitter. Criteria: Invitae Variant Classification Sherloc (09022015). Collection method: clinical testing. Allele origin: germline.
Comment: This sequence change replaces valine, which is neutral and non-polar, with methionine, which is neutral and non-polar, at codon 240 of the MEN1 protein (p.Val240Met). This variant is present in population databases (no rsID available, gnomAD 0.006%). This variant has not been reported in the literature in individuals affected with MEN1-related conditions. ClinVar contains an entry for this variant (Variation ID: 3634201). Invitae Evidence Modeling of protein sequence and biophysical properties (such as structural, functional, and spatial information, amino acid conservation, physicochemical variation, residue mobility, and thermodynamic stability) indicates that this missense variant is expected to disrupt MEN1 protein function with a positive predictive value of 95%. In summary, the available evidence is currently insufficient to determine the role of this variant in disease. Therefore, it has been classified as a Variant of Uncertain Significance.

Ambry Genetics
Classification: Uncertain significance for Hereditary cancer-predisposing syndrome. Last evaluated: 2025-06-16. Review status: criteria provided, single submitter. Criteria: Ambry Variant Classification Scheme 2023. Collection method: clinical testing. Allele origin: germline.
Comment: The p.V240M variant (also known as c.718G>A), located in coding exon 3 of the MEN1 gene, results from a G to A substitution at nucleotide position 718. The valine at codon 240 is replaced by methionine, an amino acid with highly similar properties. This amino acid position is highly conserved in available vertebrate species. In addition, this alteration is predicted to be deleterious by in silico analysis. Based on the available evidence, the clinical significance of this variant remains unclear.

NM_001370259.2(MEN1):c.718G>A (p.Val240Met)

Gene: MEN1 (menin 1; minus strand). Cytogenetic location: 11q13.1.
Variant type: single nucleotide variant.
Coding change: c.718G>A on transcript NM_001370259.2 (MANE Select); coding-DNA position 718, G replaced by A.
Protein change: p.Val240Met; replaces valine 240 with methionine.
Molecular consequence: missense variant. On other transcripts: non-coding transcript variant (4).
Genome position (GRCh38, 1-based): chr11:64,807,617, C>T on the plus strand (G>A on the coding strand, the complement: MEN1 is on the minus strand). VCF-style: chr11-64807617-C-T. GRCh37 (hg19) VCF-style: chr11-64575089-C-T.
Other names: c.733G>A, p.Val245Met (NM_000244.4, NM_001407145.1, NM_001407150.1 and 5 more transcripts); c.718G>A, p.Val240Met (NM_001370251.2, NM_001370260.2, NM_001370261.2 and 7 more transcripts); c.613G>A, p.Val205Met (NM_001370262.2, NM_001370263.2, NM_001407148.1 and 2 more transcripts); short protein forms V240M, V245M, V205M.
Identifiers: ClinVar variation 3634201 (VCV003634201.3).